The following is an entry in ClinVar:

ClinVar aggregate classification (germline): Uncertain significance. Review status: criteria provided, multiple submitters, no conflicts (2 of 4 stars). 3 submissions from 3 submitters: Uncertain significance (3). Last evaluated 2025-12-03.

Conditions:
Cardiovascular phenotype. Identifiers: MedGen CN230736.
Myofibrillar myopathy 4. Also called: Zaspopathy (type). Identifiers: Orphanet 98912, MedGen C4721886, MONDO:0012277, OMIM 609452.

Allele frequency attached by ClinVar (database versions not stated): TOPMed 0.00001; gnomAD 0.00003.
gnomAD v4.1: 72 of 1,614,054 alleles (0.0045%); highest among the groups gnomAD compares: Non-Finnish European, 0.0057%; no homozygotes.

Submissions (3):

Labcorp Genetics (formerly Invitae), Labcorp
Classification: Uncertain significance for Myofibrillar myopathy 4. Last evaluated: 2025-12-03. Review status: criteria provided, single submitter. Criteria: Invitae Variant Classification Sherloc (09022015). Collection method: clinical testing. Allele origin: germline.
Comment: The LDB3 gene has multiple clinically relevant transcripts. This variant occurs in alternate transcript NM_007078.3, and corresponds to NM_001080116.1:c.*18702T>A in the primary transcript. This sequence change replaces tyrosine, which is neutral and polar, with asparagine, which is neutral and polar, at codon 597 of the LDB3 protein (p.Tyr597Asn). This variant is present in population databases (rs727503131, gnomAD 0.004%). This missense change has been observed in individual(s) with LDB3-related conditions (PMID: 30847666, 35352813). Experimental studies and prediction algorithms are not available or were not evaluated, and the functional significance of this variant is currently unknown. In summary, the available evidence is currently insufficient to determine the role of this variant in disease. Therefore, it has been classified as a Variant of Uncertain Significance.

Ambry Genetics
Classification: Uncertain significance for Cardiovascular phenotype. Last evaluated: 2025-05-16. Review status: criteria provided, single submitter. Criteria: Ambry Variant Classification Scheme 2023. Collection method: clinical testing. Allele origin: germline.
Comment: The p.Y597N variant (also known as c.1789T>A), located in coding exon 10 of the LDB3 gene, results from a T to A substitution at nucleotide position 1789. The tyrosine at codon 597 is replaced by asparagine, an amino acid with dissimilar properties. This variant was detected in a cardiomyopathy/arrhythmia genetic testing cohort; however, clinical details were limited, and additional cardiac variants were detected in some cases (van Lint FHM et al. Neth Heart J, 2019 Jun;27:304-309). This variant has also been reported in an unexplained sudden cardiac arrest cohort (Grondin S et al. Eur Heart J, 2022 Aug;43:3071-3081). This amino acid position is highly conserved in available vertebrate species. In addition, this alteration is predicted to be deleterious by in silico analysis. Based on the available evidence, the clinical significance of this variant remains unclear.

Blueprint Genetics
Classification: Uncertain significance. Last evaluated: 2020-02-05. Review status: criteria provided, single submitter. Criteria: ACMG Guidelines, 2015. Collection method: clinical testing. Allele origin: germline.

Literature cited by the submitters: PubMed 30847666 (cited by Labcorp Genetics (formerly Invitae), Labcorp and Ambry Genetics); PubMed 35352813 (cited by Labcorp Genetics (formerly Invitae), Labcorp and Ambry Genetics).

NM_007078.3(LDB3):c.1789T>A (p.Tyr597Asn)

Gene: LDB3 (LIM domain binding 3; plus strand). Cytogenetic location: 10q23.2.
Variant type: single nucleotide variant.
Coding change: c.1789T>A on transcript NM_007078.3 (MANE Select); coding-DNA position 1789, T replaced by A.
Protein change: p.Tyr597Asn; replaces tyrosine 597 with asparagine.
Molecular consequence: missense variant.
Genome position (GRCh38, 1-based): chr10:86,718,076, T>A. VCF-style: chr10-86718076-T-A. GRCh37 (hg19) VCF-style: chr10-88477833-T-A.
Other names: c.1459T>A, p.Tyr487Asn (NM_001080114.2); c.1804T>A, p.Tyr602Asn (NM_001171610.2); c.1600T>A, p.Tyr534Asn (NM_001368064.1, NM_001368065.1); c.1648T>A, p.Tyr550Asn (NM_001368066.1); short protein forms Y597N, Y602N, Y534N, Y487N, Y550N.
Identifiers: ClinVar variation 406805 (VCV000406805.11), dbSNP rs727503131, ClinGen allele CA5585231.